The following is an entry in ClinVar:

NM_000090.4(COL3A1):c.4055T>G (p.Val1352Gly)

Gene: COL3A1 (collagen type III alpha 1 chain; plus strand). Cytogenetic location: 2q32.2.
Variant type: single nucleotide variant.
Coding change: c.4055T>G on transcript NM_000090.4 (MANE Select); coding-DNA position 4055, T replaced by G.
Protein change: p.Val1352Gly; replaces valine 1352 with glycine.
Molecular consequence: missense variant.
Genome position (GRCh38, 1-based): chr2:189,010,691, T>G. VCF-style: chr2-189010691-T-G. GRCh37 (hg19) VCF-style: chr2-189875417-T-G.
Other names: short protein forms V1352G.
Identifiers: ClinVar variation 4537248 (VCV004537248.2).
Genomic context (GRCh38, chr2:189,010,691, plus strand): 5'-TTTGTTCCCTATTACAGTTTAGCTACGGCAATCCTGAACTTCCTGAAGATGTCCTTGATG[T>G]GCATCTGGCATTCCTTCGACTTCTCTCCAGCCGAGCTTCCCAGAACATCACATATCACTG-3'
Protein context (NP_000081.2, residues 1342-1362): NPELPEDVLD[Val1352Gly]HLAFLRLLSS

ClinVar aggregate classification (germline): Uncertain significance. Review status: criteria provided, multiple submitters, no conflicts (2 of 4 stars). 2 submissions from 2 submitters: Uncertain significance (2). Last evaluated 2025-11-24.

Conditions:
Ehlers-Danlos syndrome, type 4 (EDSVASC). Also called: Ehlers-Danlos syndrome vascular type; Ehlers Danlos syndrome, ecchymotic type; Ehlers Danlos syndrome, arterial type; Ehlers Danlos syndrome, Sack-Barabas type; Ehlers-Danlos Syndrome Type IV. Identifiers: Orphanet 286, MedGen C0268338, MONDO:0017314, OMIM 130050.

Submissions (2):

Women's Health and Genetics/Laboratory Corporation of America, LabCorp
Classification: Uncertain significance. Last evaluated: 2025-11-24. Review status: criteria provided, single submitter. Criteria: LabCorp Variant Classification Summary - May 2015. Collection method: clinical testing. Allele origin: germline.
Comment: Variant summary: COL3A1 c.4055T>G (p.Val1352Gly) results in a non-conservative amino acid change in the encoded protein sequence. Algorithms developed to predict the effect of missense changes on protein structure and function all suggest that this variant is likely to be disruptive. The variant was absent in 251310 control chromosomes. The available data on variant occurrences in the general population are insufficient to allow any conclusion about variant significance. To our knowledge, no occurrence of c.4055T>G in individuals affected with COL3A1-related conditions and no experimental evidence demonstrating its impact on protein function have been reported. No submitters have cited clinical-significance assessments for this variant to ClinVar. Based on the evidence outlined above, the variant was classified as uncertain significance.

Labcorp Genetics (formerly Invitae), Labcorp
Classification: Uncertain significance for Ehlers-Danlos syndrome, type 4. Last evaluated: 2025-11-11. Review status: criteria provided, single submitter. Criteria: Invitae Variant Classification Sherloc (09022015). Collection method: clinical testing. Allele origin: germline.
Comment: This sequence change replaces valine, which is neutral and non-polar, with glycine, which is neutral and non-polar, at codon 1352 of the COL3A1 protein (p.Val1352Gly). This variant is not present in population databases (gnomAD no frequency). This variant has not been reported in the literature in individuals affected with COL3A1-related conditions. An algorithm developed to predict the effect of missense changes on protein structure and function outputs the following: PolyPhen-2: "Not Available". The glycine amino acid residue is found in multiple mammalian species, which suggests that this missense change does not adversely affect protein function. In summary, the available evidence is currently insufficient to determine the role of this variant in disease. Therefore, it has been classified as a Variant of Uncertain Significance.